The following is an entry in ClinVar:

ClinVar aggregate classification (germline): Likely benign (1 of 4 stars; one submission).

Allele frequency attached by ClinVar (database versions not stated): gnomAD exomes 0.00119 and 0.00160; ExAC 0.00177; 1000 Genomes Project 30x 0.00250; gnomAD 0.00251 and 0.00265; 1000 Genomes Project 0.00260; ESP Exome Variant Server 0.00280; TOPMed 0.00306.

Submission:

CeGaT Center for Human Genetics Tuebingen
Classification: Likely benign. Last evaluated: 2026-07-01. Review status: criteria provided, single submitter. Criteria: CeGaT Center For Human Genetics Tuebingen Variant Classification Criteria Version 2. Collection method: clinical testing. Allele origin: germline. Affected: yes. Observed: 12 variant alleles.
Comment: ATN1: BP4, BP7, BS1

NM_001940.4(ATN1):c.1968A>C (p.Gly656=)

Gene: ATN1 (atrophin 1; plus strand). Cytogenetic location: 12p13.31.
Variant type: single nucleotide variant.
Coding change: c.1968A>C on transcript NM_001940.4 (MANE Select); coding-DNA position 1968, A replaced by C.
Protein change: p.Gly656=; no amino-acid change (glycine 656 retained).
Molecular consequence: synonymous variant.
Genome position (GRCh38, 1-based): chr12:6,937,235, A>C. VCF-style: chr12-6937235-A-C. GRCh37 (hg19) VCF-style: chr12-7046398-A-C.
Other names: c.1968A>C, p.Gly656= (NM_001007026.2).
Identifiers: ClinVar variation 1694656 (VCV001694656.31), dbSNP rs112842935, ClinGen allele CA6420749.